The following is an entry in ClinVar:

NM_020882.4(COL20A1):c.867C>T (p.Asp289=)

Gene: COL20A1 (collagen type XX alpha 1 chain; plus strand). Cytogenetic location: 20q13.33.
Variant type: single nucleotide variant.
Coding change: c.867C>T on transcript NM_020882.4 (MANE Select); coding-DNA position 867, C replaced by T.
Protein change: p.Asp289=; no amino-acid change (aspartic acid 289 retained).
Molecular consequence: synonymous variant.
Genome position (GRCh38, 1-based): chr20:63,308,633, C>T. VCF-style: chr20-63308633-C-T. GRCh37 (hg19) VCF-style: chr20-61939985-C-T.
Identifiers: ClinVar variation 2652522 (VCV002652522.24), dbSNP rs773823579, ClinGen allele CA9955836.

ClinVar aggregate classification (germline): Likely benign (1 of 4 stars; one submission).

Allele frequency attached by ClinVar (database versions not stated): gnomAD 0.00001; gnomAD exomes 0.00001; TOPMed 0.00002; ExAC 0.00004.
gnomAD v4.1: 18 of 1,606,646 alleles (0.0011%); highest among the groups gnomAD compares: East Asian, 0.0022%; no homozygotes.

Submission:

CeGaT Center for Human Genetics Tuebingen
Classification: Likely benign. Last evaluated: 2022-09-01. Review status: criteria provided, single submitter. Criteria: CeGaT Center For Human Genetics Tuebingen Variant Classification Criteria Version 2. Collection method: clinical testing. Allele origin: germline. Affected: yes. Observed: 1 variant allele.
Comment: COL20A1: BP4, BP7